The following is an entry in ClinVar:

NM_003482.4(KMT2D):c.5026C>G (p.Pro1676Ala)

Gene: KMT2D (lysine methyltransferase 2D; minus strand). Cytogenetic location: 12q13.12.
Variant type: single nucleotide variant.
Coding change: c.5026C>G on transcript NM_003482.4 (MANE Select); coding-DNA position 5026, C replaced by G.
Protein change: p.Pro1676Ala; replaces proline 1676 with alanine.
Molecular consequence: missense variant.
Genome position (GRCh38, 1-based): chr12:49,044,460, G>C on the plus strand (C>G on the coding strand, the complement: KMT2D is on the minus strand). VCF-style: chr12-49044460-G-C. GRCh37 (hg19) VCF-style: chr12-49438243-G-C.
Other names: short protein forms P1676A.
Identifiers: ClinVar variation 2040047 (VCV002040047.5), dbSNP rs766327958, ClinGen allele CA6547654.

ClinVar aggregate classification (germline): Benign. Review status: criteria provided, single submitter (1 of 4 stars). 2 submissions from 2 submitters: Benign (1). 1 of the submissions does not count toward it. Last evaluated 2025-10-09.

Conditions:
Kabuki syndrome. Also called: NIIKAWA-KUROKI SYNDROME; Kabuki make-up syndrome. Identifiers: Orphanet 2322, MedGen C0796004, MONDO:0016512.
KMT2D-related disorder. Also called: KMT2D-Related Disorders.

Allele frequency attached by ClinVar (database versions not stated): gnomAD 0.00003; gnomAD exomes 0.00004; TOPMed 0.00003; ExAC 0.00003.
gnomAD v4.1: 67 of 1,613,862 alleles (0.0042%); highest among the groups gnomAD compares: Non-Finnish European, 0.0055%; no homozygotes.

Submissions (2):

Labcorp Genetics (formerly Invitae), Labcorp
Classification: Benign for Kabuki syndrome. Last evaluated: 2025-10-09. Review status: criteria provided, single submitter. Criteria: Invitae Variant Classification Sherloc (09022015). Collection method: clinical testing. Allele origin: germline.

PreventionGenetics, part of Exact Sciences
Classification: Likely benign for KMT2D-related condition. Last evaluated: 2024-09-20. Review status: no assertion criteria provided. Collection method: clinical testing. Allele origin: germline. Not counted in ClinVar's aggregate classification.
Comment: This variant is classified as likely benign based on ACMG/AMP sequence variant interpretation guidelines (Richards et al. 2015 PMID: 25741868, with internal and published modifications).